The following is an entry in ClinVar:

NM_006031.6(PCNT):c.8193C>T (p.Ala2731=)

Gene: PCNT (pericentrin; plus strand). Cytogenetic location: 21q22.3.
Variant type: single nucleotide variant.
Coding change: c.8193C>T on transcript NM_006031.6 (MANE Select); coding-DNA position 8193, C replaced by T.
Protein change: p.Ala2731=; no amino-acid change (alanine 2731 retained).
Molecular consequence: synonymous variant.
Genome position (GRCh38, 1-based): chr21:46,431,657, C>T. VCF-style: chr21-46431657-C-T. GRCh37 (hg19) VCF-style: chr21-47851571-C-T.
Other names: c.8193C>T (NM_006031.5); c.7839C>T, p.Ala2613= (NM_001315529.2).
Identifiers: ClinVar variation 2975650 (VCV002975650.4), dbSNP rs756816755, ClinGen allele CA10080914.

ClinVar aggregate classification (germline): Likely benign. Review status: criteria provided, single submitter (1 of 4 stars). 2 submissions from 2 submitters: Likely benign (1). 1 of the submissions does not count toward it. Last evaluated 2024-02-07.

Conditions:
PCNT-related disorder. Also called: PCNT-related condition.

Allele frequency attached by ClinVar (database versions not stated): ExAC 0.00001; gnomAD 0.00001; gnomAD exomes 0.00002; TOPMed 0.00002.
gnomAD v4.1: 11 of 1,613,578 alleles (0.00068%); highest among the groups gnomAD compares: Admixed American, 0.018%; no homozygotes.

Submissions (2):

Labcorp Genetics (formerly Invitae), Labcorp
Classification: Likely benign. Last evaluated: 2024-02-07. Review status: criteria provided, single submitter. Criteria: Invitae Variant Classification Sherloc (09022015). Collection method: clinical testing. Allele origin: germline.

PreventionGenetics, part of Exact Sciences
Classification: Likely benign for PCNT-related condition. Last evaluated: 2023-05-04. Review status: no assertion criteria provided. Collection method: clinical testing. Allele origin: germline. Not counted in ClinVar's aggregate classification.
Comment: This variant is classified as likely benign based on ACMG/AMP sequence variant interpretation guidelines (Richards et al. 2015 PMID: 25741868, with internal and published modifications).